The following is an entry in ClinVar:

ClinVar aggregate classification (germline): Uncertain significance (1 of 4 stars; one submission).

gnomAD v4.1: 6 of 1,614,120 alleles (0.00037%); highest among the groups gnomAD compares: East Asian, 0.0045%; no homozygotes.

Submission:

Dasa
Classification: Uncertain significance. Last evaluated: 2025-09-10. Review status: criteria provided, single submitter. Criteria: DASA Assertion Criteria. Collection method: clinical testing. Allele origin: germline.
Comment: NM_014232.3(VAMP2):c.310G>A (p.Ala104Thr) is a missense variant that results in the substitution of alanine with threonine. This variant is rare in population databases. Computational prediction algorithms are consistent with a benign effect. The currently available literature and clinical evidence are not sufficient to establish a definitive association between this variant and the reported condition. Therefore, this variant is classified as a variant of uncertain significance.

NM_014232.3(VAMP2):c.310G>A (p.Ala104Thr)

Gene: VAMP2 (vesicle associated membrane protein 2; minus strand). Cytogenetic location: 17p13.1.
Variant type: single nucleotide variant.
Coding change: c.310G>A on transcript NM_014232.3 (MANE Select); coding-DNA position 310, G replaced by A.
Protein change: p.Ala104Thr; replaces alanine 104 with threonine.
Molecular consequence: missense variant.
Genome position (GRCh38, 1-based): chr17:8,161,497, C>T on the plus strand (G>A on the coding strand, the complement: VAMP2 is on the minus strand). VCF-style: chr17-8161497-C-T. GRCh37 (hg19) VCF-style: chr17-8064815-C-T.
Other names: c.316G>A, p.Ala106Thr (NM_001330125.1); short protein forms A104T, A106T.
Identifiers: ClinVar variation 4886034 (VCV004886034.2).